The following is an entry in ClinVar:

NM_000165.5(GJA1):c.861G>T (p.Lys287Asn)

Gene: GJA1 (gap junction protein alpha 1; plus strand). Cytogenetic location: 6q22.31.
Variant type: single nucleotide variant.
Coding change: c.861G>T on transcript NM_000165.5 (MANE Select); coding-DNA position 861, G replaced by T.
Protein change: p.Lys287Asn; replaces lysine 287 with asparagine.
Molecular consequence: missense variant.
Genome position (GRCh38, 1-based): chr6:121,447,708, G>T. VCF-style: chr6-121447708-G-T. GRCh37 (hg19) VCF-style: chr6-121768854-G-T.
Other names: short protein forms K287N.
Identifiers: ClinVar variation 1996897 (VCV001996897.4), dbSNP rs2536822746, ClinGen allele CA365559934.

ClinVar aggregate classification (germline): Uncertain significance (1 of 4 stars; one submission).

Conditions:
Oculodentodigital dysplasia, autosomal recessive. Also called: OCULODENTOOSSEOUS DYSPLASIA, AUTOSOMAL RECESSIVE; ODDD, AUTOSOMAL RECESSIVE; ODOD, AUTOSOMAL RECESSIVE. Identifiers: Orphanet 2710, MedGen C2749477, MONDO:0009768, OMIM 257850.

Submission:

Labcorp Genetics (formerly Invitae), Labcorp
Classification: Uncertain significance for Oculodentodigital dysplasia, autosomal recessive. Last evaluated: 2022-11-15. Review status: criteria provided, single submitter. Criteria: Invitae Variant Classification Sherloc (09022015). Collection method: clinical testing. Allele origin: germline.
Comment: In summary, the available evidence is currently insufficient to determine the role of this variant in disease. Therefore, it has been classified as a Variant of Uncertain Significance. Advanced modeling of protein sequence and biophysical properties (such as structural, functional, and spatial information, amino acid conservation, physicochemical variation, residue mobility, and thermodynamic stability) performed at Invitae indicates that this missense variant is not expected to disrupt GJA1 protein function. This variant has not been reported in the literature in individuals affected with GJA1-related conditions. This variant is not present in population databases (gnomAD no frequency). This sequence change replaces lysine, which is basic and polar, with asparagine, which is neutral and polar, at codon 287 of the GJA1 protein (p.Lys287Asn).